The following is an entry in ClinVar:

ClinVar aggregate classification (germline): Pathogenic/Likely pathogenic. Review status: criteria provided, multiple submitters, no conflicts (2 of 4 stars). 2 submissions from 2 submitters: Pathogenic (1); Likely pathogenic (1). Last evaluated 2022-08-30.

Conditions:
Propionic acidemia (PROP). Also called: HYPERGLYCINEMIA WITH KETOACIDOSIS AND LEUKOPENIA; KETOTIC HYPERGLYCINEMIA; GLYCINEMIA, KETOTIC. Identifiers: Orphanet 35, MedGen C0268579, MONDO:0011628, OMIM 606054, HP:0003571.

Submissions (2):

Labcorp Genetics (formerly Invitae), Labcorp
Classification: Pathogenic for Propionic acidemia. Last evaluated: 2022-08-30. Review status: criteria provided, single submitter. Criteria: Invitae Variant Classification Sherloc (09022015). Collection method: clinical testing. Allele origin: germline.
Comment: For these reasons, this variant has been classified as Pathogenic. Advanced modeling of protein sequence and biophysical properties (such as structural, functional, and spatial information, amino acid conservation, physicochemical variation, residue mobility, and thermodynamic stability) performed at Invitae indicates that this missense variant is expected to disrupt PCCB protein function. ClinVar contains an entry for this variant (Variation ID: 1331492). This missense change has been observed in individual(s) with propionic acidemia (PMID: 30274917). In at least one individual the data is consistent with being in trans (on the opposite chromosome) from a pathogenic variant. This variant is not present in population databases (gnomAD no frequency). This sequence change replaces methionine, which is neutral and non-polar, with arginine, which is basic and polar, at codon 316 of the PCCB protein (p.Met316Arg).

Women's Health and Genetics/Laboratory Corporation of America, LabCorp
Classification: Likely pathogenic for Propionic acidemia. Last evaluated: 2021-12-28. Review status: criteria provided, single submitter. Criteria: LabCorp Variant Classification Summary - May 2015. Collection method: clinical testing. Allele origin: germline.
Comment: Variant summary: PCCB c.947T>G (p.Met316Arg) results in a non-conservative amino acid change located in the Acetyl-coenzyme A carboxyltransferase, C-terminal domain (IPR011763) of the encoded protein sequence. Five of five in-silico tools predict a damaging effect of the variant on protein function. The variant was absent in 251452 control chromosomes. c.947T>G has been reported in the literature as a compound heterozygous genotype in at-least one individual affected with Propionic Acidemia (example, Rivera-Barahona_2018). At least one publication reports experimental evidence evaluating an impact on protein function (example Rivera-Barahona_2018). The most pronounced variant effect results in a destabilizing effect with near-null PCC enzyme activity in-vitro. No clinical diagnostic laboratories have submitted clinical-significance assessments for this variant to ClinVar after 2014. Based on the evidence outlined above, the variant was classified as likely pathogenic.

Literature cited by the submitters: PubMed 30274917 (cited by Labcorp Genetics (formerly Invitae), Labcorp and Women's Health and Genetics/Laboratory Corporation of America, LabCorp).

NM_000532.5(PCCB):c.947T>G (p.Met316Arg)

Gene: PCCB (propionyl-CoA carboxylase subunit beta; plus strand). Cytogenetic location: 3q22.3.
Variant type: single nucleotide variant.
Coding change: c.947T>G on transcript NM_000532.5 (MANE Select); coding-DNA position 947, T replaced by G.
Protein change: p.Met316Arg; replaces methionine 316 with arginine.
Molecular consequence: missense variant.
Genome position (GRCh38, 1-based): chr3:136,301,092, T>G. VCF-style: chr3-136301092-T-G. GRCh37 (hg19) VCF-style: chr3-136019934-T-G.
Other names: c.1007T>G, p.Met336Arg (NM_001178014.2); short protein forms M316R, M336R.
Identifiers: ClinVar variation 1331492 (VCV001331492.6), dbSNP rs2108208811, ClinGen allele CA354645718.